The following is an entry in ClinVar:

NC_000001.10:g.(?_161310378)_(161332229_?)dup

Gene: SDHC (succinate dehydrogenase complex subunit C; plus strand). Cytogenetic location: 1q23.3.
Variant type: Duplication.
Identifiers: ClinVar variation 465959 (VCV000465959.1).

ClinVar aggregate classification (germline): Uncertain significance (1 of 4 stars; one submission).

Conditions:
Pheochromocytoma/paraganglioma syndrome 3. Also called: SDHC-Related Hereditary Paraganglioma-Pheochromocytoma Syndrome (Paragangliomas 3); GLOMUS TUMORS, FAMILIAL, 3; SDHC-Related Hereditary Paraganglioma-Pheochromocytoma Syndrome; Paragangliomas 3. Identifiers: Orphanet 29072, MedGen C1854336, MONDO:0011544, OMIM 605373.
Gastrointestinal stromal tumor. Also called: Gastrointestinal stroma tumor; Gastrointestinal stromal tumor, somatic. Identifiers: Orphanet 44890, MedGen C0238198, MeSH D046152, MONDO:0011719, OMIM 606764, HP:0100723.

Submission:

Labcorp Genetics (formerly Invitae), Labcorp
Classification: Uncertain significance for Pheochromocytoma/paraganglioma syndrome 3; Gastrointestinal stromal tumor. Last evaluated: 2017-11-25. Review status: criteria provided, single submitter. Criteria: Invitae Variant Classification Sherloc (09022015). Collection method: clinical testing. Allele origin: germline.
Comment: This variant is a gross duplication of the genomic region encompassing exons 4-6 of the SDHC gene. The 5' boundary is likely confined to intron 3. The 3' end of this event is unknown as it extends beyond the assayed region for this gene and therefore may encompass additional genes. The exact location of this variant in the genome is unknown. This variant has not been reported in the literature in individuals with SDHC-related disease. Experimental studies and prediction algorithms are not available for this variant, and the functional significance of the duplicated exons is currently unknown. In summary, the available evidence is currently insufficient to determine the role of this variant in disease. Therefore, it has been classified as a Variant of Uncertain Significance.